The following is an entry in ClinVar:

NM_000307.5(POU3F4):c.881A>C (p.Glu294Ala)

Gene: POU3F4 (POU class 3 homeobox 4; plus strand). Cytogenetic location: Xq21.1.
Variant type: single nucleotide variant.
Coding change: c.881A>C on transcript NM_000307.5 (MANE Select); coding-DNA position 881, A replaced by C.
Protein change: p.Glu294Ala; replaces glutamic acid 294 with alanine.
Molecular consequence: missense variant.
Genome position (GRCh38, 1-based): chrX:83,509,205, A>C. VCF-style: chrX-83509205-A-C. GRCh37 (hg19) VCF-style: chrX-82764213-A-C.
Other names: short protein forms E294A.
Identifiers: ClinVar variation 4997686 (VCV004997686.1).

ClinVar aggregate classification (germline): Uncertain significance (1 of 4 stars; one submission).

Conditions:
POU3F4-related disorder. Also called: POU3F4-related condition.

Submission:

PreventionGenetics, part of Exact Sciences
Classification: Uncertain significance for POU3F4-related condition. Last evaluated: 2025-06-12. Review status: criteria provided, single submitter. Criteria: ACMG Guidelines, 2015. Collection method: clinical testing. Allele origin: germline.
Comment: The POU3F4 c.881A>C variant is predicted to result in the amino acid substitution p.Glu294Ala. To our knowledge, this variant has not been reported in the literature or in a large population database (gnomAD), indicating this variant is rare. At this time, the clinical significance of this variant is uncertain due to the absence of conclusive functional and genetic evidence.